The following is an entry in ClinVar:

NM_033380.3(COL4A5):c.4145G>A (p.Gly1382Asp)

Gene: COL4A5 (collagen type IV alpha 5 chain; plus strand). Cytogenetic location: Xq22.3.
Variant type: single nucleotide variant.
Coding change: c.4145G>A on transcript NM_033380.3 (MANE Select); coding-DNA position 4145, G replaced by A.
Protein change: p.Gly1382Asp; replaces glycine 1382 with aspartic acid.
Molecular consequence: missense variant.
Genome position (GRCh38, 1-based): chrX:108,681,817, G>A. VCF-style: chrX-108681817-G-A. GRCh37 (hg19) VCF-style: chrX-107925047-G-A.
Other names: c.4127G>A, p.Gly1376Asp (NM_000495.5); short protein forms G1382D, G1376D.
Identifiers: ClinVar variation 2696250 (VCV002696250.3), dbSNP rs2147982134, ClinGen allele CA413852128.

ClinVar aggregate classification (germline): Likely pathogenic (1 of 4 stars; one submission).

Submission:

Labcorp Genetics (formerly Invitae), Labcorp
Classification: Likely pathogenic. Last evaluated: 2024-09-30. Review status: criteria provided, single submitter. Criteria: Invitae Variant Classification Sherloc (09022015). Collection method: clinical testing. Allele origin: germline.
Comment: This sequence change replaces glycine, which is neutral and non-polar, with aspartic acid, which is acidic and polar, at codon 1376 of the COL4A5 protein (p.Gly1376Asp). This variant is not present in population databases (gnomAD no frequency). This missense change has been observed in individual(s) with Alport syndrome (internal data). Invitae Evidence Modeling of protein sequence and biophysical properties (such as structural, functional, and spatial information, amino acid conservation, physicochemical variation, residue mobility, and thermodynamic stability) indicates that this missense variant is expected to disrupt COL4A5 protein function with a positive predictive value of 95%. This variant disrupts the triple helix domain of COL4A5. Glycine residues within the Gly-Xaa-Yaa repeats of the triple helix domain are required for the structure and stability of fibrillar collagens (PMID: 7695699, 8218237, 19344236). In COL4A5, missense variants at these glycine residues are significantly enriched in individuals with disease (PMID: 23720012, 27627812) compared to the general population (ExAC). In summary, the currently available evidence indicates that the variant is pathogenic, but additional data are needed to prove that conclusively. Therefore, this variant has been classified as Likely Pathogenic.

Literature cited by the submitters: PubMed 7695699; PubMed 8218237; PubMed 19344236; PubMed 23720012; PubMed 27627812.